The following is an entry in ClinVar:

NM_024818.6(UBA5):c.562C>T (p.Arg188Ter)

Genes: NPHP3-ACAD11 (NPHP3-ACAD11 readthrough (NMD candidate); minus strand), UBA5 (ubiquitin like modifier activating enzyme 5; plus strand). Cytogenetic location: 3q22.1.
Variant type: single nucleotide variant.
Coding change: c.562C>T on transcript NM_024818.6 (MANE Select); coding-DNA position 562, C replaced by T.
Protein change: p.Arg188Ter; replaces arginine 188 with a stop codon.
Molecular consequence: nonsense.
Genome position (GRCh38, 1-based): chr3:132,671,032, C>T. VCF-style: chr3-132671032-C-T. GRCh37 (hg19) VCF-style: chr3-132389876-C-T.
Other names: c.394C>T, p.Arg132Ter (NM_001320210.2, NM_198329.4); c.292C>T, p.Arg98Ter (NM_001321238.2); c.226C>T, p.Arg76Ter (NM_001321239.1); short protein forms R188*, R98*, R76*, R132*.
Identifiers: ClinVar variation 265749 (VCV000265749.17), dbSNP rs374052333, ClinGen allele CA10588806.
Genomic context (GRCh38, chr3:132,671,032, plus strand): 5'-GGGTTAGAAGAAGGAAAACCTGTTGATCTAGTTCTTAGCTGTGTGGACAATTTTGAAGCT[C>T]GAATGACAATAAATACAGTGAGTATTCCTGCTGTGCAAGATATATTCATGGATTTATCTG-3'

ClinVar aggregate classification (germline): Pathogenic/Likely pathogenic. Review status: criteria provided, multiple submitters, no conflicts (2 of 4 stars). 5 submissions from 5 submitters: Pathogenic (3); Likely pathogenic (1). 1 of the submissions does not count toward it. Last evaluated 2025-05-12.

Conditions:
Developmental and epileptic encephalopathy, 44 (DEE44). Also called: Epileptic encephalopathy, early infantile, 44. Identifiers: MedGen C4310700, MONDO:0014933, OMIM 617132.
Spinocerebellar ataxia, autosomal recessive 24 (SCAR24). Identifiers: MedGen C4310699, MONDO:0014934, OMIM 617133.
UBA5-related disorder. Also called: UBA5-related disorders; UBA5-related condition.

Allele frequency attached by ClinVar (database versions not stated): TOPMed below 0.00001; ESP Exome Variant Server 0.00015.
gnomAD v4.1: 36 of 1,612,932 alleles (0.0022%); highest among the groups gnomAD compares: Non-Finnish European, 0.003%; no homozygotes.

Submissions (5):

GeneDx
Classification: Pathogenic. Last evaluated: 2025-05-12. Review status: criteria provided, single submitter. Criteria: GeneDx Variant Classification Process June 2021. Collection method: clinical testing. Allele origin: germline. Affected: yes.
Comment: Nonsense variant predicted to result in protein truncation or nonsense mediated decay in a gene for which loss of function is a known mechanism of disease; Not observed at significant frequency in large population cohorts (gnomAD); This variant is associated with the following publications: (PMID: 27545674)

Blueprint Genetics
Classification: Pathogenic for UBA5-related disorders. Last evaluated: 2023-11-09. Review status: criteria provided, single submitter. Criteria: ACMG Guidelines, 2015. Collection method: clinical testing. Allele origin: germline. Affected: yes. Observed: 1 variant allele.

Labcorp Genetics (formerly Invitae), Labcorp
Classification: Pathogenic. Last evaluated: 2021-04-22. Review status: criteria provided, single submitter. Criteria: Invitae Variant Classification Sherloc (09022015). Collection method: clinical testing. Allele origin: germline.
Comment: This variant is not present in population databases (ExAC no frequency). For these reasons, this variant has been classified as Pathogenic. This variant has been observed in individual(s) with UBA5-related conditions (PMID: 27545674). In at least one individual the data is consistent with the variant being in trans (on the opposite chromosome) from a pathogenic variant. ClinVar contains an entry for this variant (Variation ID: 265749). This sequence change creates a premature translational stop signal (p.Arg188*) in the UBA5 gene. It is expected to result in an absent or disrupted protein product. Loss-of-function variants in UBA5 are known to be pathogenic (PMID: 27545674, 27545681).

Undiagnosed Diseases Network, NIH
Classification: Likely pathogenic for Developmental and epileptic encephalopathy, 44; Spinocerebellar ataxia, autosomal recessive 24. Last evaluated: 2017-04-20. Review status: criteria provided, single submitter. Criteria: ACMG Guidelines, 2015. Collection method: clinical testing. Allele origin: maternal. Inheritance: Autosomal recessive inheritance. Affected: yes. Observed: 1 variant allele, 1 compound heterozygote. Study: Undiagnosed Diseases Network (NIH), UDN.

OMIM
Classification: Pathogenic for DEVELOPMENTAL AND EPILEPTIC ENCEPHALOPATHY 44. Last evaluated: 2020-11-10. Review status: no assertion criteria provided. Collection method: literature only. Allele origin: germline. Not counted in ClinVar's aggregate classification.

Literature cited by the submitters: PubMed 27545674 (cited by Labcorp Genetics (formerly Invitae), Labcorp and OMIM); PubMed 27545681 (cited by Labcorp Genetics (formerly Invitae), Labcorp).